The following is an entry in ClinVar:

NM_001142864.4(PIEZO1):c.3747G>C (p.Trp1249Cys)

Gene: PIEZO1 (piezo type mechanosensitive ion channel component 1 (Er blood group); minus strand). Cytogenetic location: 16q24.3.
Variant type: single nucleotide variant.
Coding change: c.3747G>C on transcript NM_001142864.4 (MANE Select); coding-DNA position 3747, G replaced by C.
Protein change: p.Trp1249Cys; replaces tryptophan 1249 with cysteine.
Molecular consequence: missense variant.
Genome position (GRCh38, 1-based): chr16:88,726,596, C>G on the plus strand (G>C on the coding strand, the complement: PIEZO1 is on the minus strand). VCF-style: chr16-88726596-C-G. GRCh37 (hg19) VCF-style: chr16-88793004-C-G.
Other names: short protein forms W1249C.
Identifiers: ClinVar variation 4685941 (VCV004685941.1).

ClinVar aggregate classification (germline): Uncertain significance (1 of 4 stars; one submission).

gnomAD v4.1: 2 of 1,548,210 alleles (0.00013%); highest among the groups gnomAD compares: Non-Finnish European, 0.00017%; no homozygotes.

Submission:

ARUP Laboratories, Molecular Genetics and Genomics, ARUP Laboratories
Classification: Uncertain significance. Last evaluated: 2025-01-03. Review status: criteria provided, single submitter. Criteria: ARUP Molecular Germline Variant Investigation Process 2024. Collection method: clinical testing. Allele origin: germline.
Comment: The PIEZO1 c.3747G>C; p.Trp1249Cys variant (rs1169601522), to our knowledge, is not reported in the medical literature or gene specific databases. This variant is only observed on one allele in the Genome Aggregation Database (v2.1.1), indicating it is not a common polymorphism. Computational analyses are uncertain whether this variant is neutral or deleterious (REVEL: 0.418). Due to limited information, the clinical significance of this variant is uncertain at this time.